The following is an entry in ClinVar:

ClinVar aggregate classification (germline): Likely benign. Review status: criteria provided, multiple submitters, no conflicts (2 of 4 stars). 2 submissions from 2 submitters: Likely benign (2). Last evaluated 2025-10-01.

Allele frequency attached by ClinVar (database versions not stated): 1000 Genomes Project 30x 0.00016; 1000 Genomes Project 0.00020; TOPMed 0.00030; gnomAD 0.00036 and 0.00038; ESP Exome Variant Server 0.00046.
gnomAD v4.1: 421 of 1,612,924 alleles (0.026%); highest among the groups gnomAD compares: African/African-American, 0.016%; 1 homozygote.

Submissions (2):

Labcorp Genetics (formerly Invitae), Labcorp
Classification: Likely benign. Last evaluated: 2025-10-01. Review status: criteria provided, single submitter. Criteria: Invitae Variant Classification Sherloc (09022015). Collection method: clinical testing. Allele origin: germline.

CeGaT Center for Human Genetics Tuebingen
Classification: Likely benign. Last evaluated: 2023-03-01. Review status: criteria provided, single submitter. Criteria: CeGaT Center For Human Genetics Tuebingen Variant Classification Criteria Version 2. Collection method: clinical testing. Allele origin: germline. Affected: yes. Observed: 1 variant allele.
Comment: LONP1: BP4, BP7

NM_004793.4(LONP1):c.1785C>T (p.Ile595=)

Gene: LONP1 (lon peptidase 1, mitochondrial; minus strand). Cytogenetic location: 19p13.3.
Variant type: single nucleotide variant.
Coding change: c.1785C>T on transcript NM_004793.4 (MANE Select); coding-DNA position 1785, C replaced by T.
Protein change: p.Ile595=; no amino-acid change (isoleucine 595 retained).
Molecular consequence: synonymous variant. On other transcripts: non-coding transcript variant (1).
Genome position (GRCh38, 1-based): chr19:5,696,360, G>A on the plus strand (C>T on the coding strand, the complement: LONP1 is on the minus strand). VCF-style: chr19-5696360-G-A. GRCh37 (hg19) VCF-style: chr19-5696371-G-A.
Other names: c.1593C>T, p.Ile531= (NM_001276479.2); c.1197C>T, p.Ile399= (NM_001276480.1).
Identifiers: ClinVar variation 720594 (VCV000720594.38), dbSNP rs35974682, ClinGen allele CA9114474.